The following is an entry in ClinVar:

NM_014423.4(AFF4):c.393TAG[1] (p.Ser133del)

Gene: AFF4 (ALF transcription elongation factor 4; minus strand). Cytogenetic location: 5q31.1.
Variant type: Microsatellite.
Coding change: c.393TAG[1] on transcript NM_014423.4 (MANE Select); one copy of the 3-base unit TAG starting at c.393; the reference has two copies in a row; one copy, 3 bases deleted.
Protein change: p.Ser133del; deletes serine 133.
Molecular consequence: inframe deletion.
Genome position (GRCh38, 1-based): chr5:132,934,667-132,934,669, CTA deleted on the plus strand (TAG on the coding strand, the reverse complement: AFF4 is on the minus strand); deleting any 3 consecutive bases within chr5:132,934,667-132,934,672 gives the same sequence; the position shown is the placement nearest the transcript's 3' end. VCF-style (leftmost placement, unchanged base first): chr5-132934666-GCTA-G. GRCh37 (hg19) VCF-style: chr5-132270358-GCTA-G.
Other names: short protein forms S133del.
Identifiers: ClinVar variation 4982633 (VCV004982633.1).

ClinVar aggregate classification (germline): Uncertain significance (1 of 4 stars; one submission).

Conditions:
AFF4-related disorder. Also called: AFF4-related condition.

Submission:

PreventionGenetics, part of Exact Sciences
Classification: Uncertain significance for AFF4-related condition. Last evaluated: 2026-09-15. Review status: criteria provided, single submitter. Criteria: ACMG Guidelines, 2015. Collection method: clinical testing. Allele origin: germline.
Comment: The AFF4 c.396_398delTAG variant is predicted to result in an in-frame deletion (p.Ser133del). To our knowledge, this variant has not been reported in the literature or in a large population database (gnomAD), indicating this variant is rare. At this time, the clinical significance of this variant is uncertain due to the absence of conclusive functional and genetic evidence.